The following is an entry in ClinVar:

ClinVar aggregate classification (germline): Uncertain significance (1 of 4 stars; one submission).

gnomAD v4.1: 1 of 1,305,210 alleles (0.000077%); highest among the groups gnomAD compares: Non-Finnish European, 0.000099%; no homozygotes.

Submission:

Laboratorio de Genetica e Diagnostico Molecular, Hospital Israelita Albert Einstein
Classification: Uncertain significance. Last evaluated: 2020-11-09. Review status: criteria provided, single submitter. Criteria: ACMG Guidelines, 2015. Collection method: clinical testing. Allele origin: germline. Affected: yes.
Comment: ACMG classification criteria: PM2, BP4

NM_006236.3(POU3F3):c.253A>C (p.Ser85Arg)

Gene: POU3F3 (POU class 3 homeobox 3; plus strand). Cytogenetic location: 2q12.1.
Variant type: single nucleotide variant.
Coding change: c.253A>C on transcript NM_006236.3 (MANE Select); coding-DNA position 253, A replaced by C.
Protein change: p.Ser85Arg; replaces serine 85 with arginine.
Molecular consequence: missense variant.
Genome position (GRCh38, 1-based): chr2:104,855,763, A>C. VCF-style: chr2-104855763-A-C. GRCh37 (hg19) VCF-style: chr2-105472221-A-C.
Other names: short protein forms S85R.
Identifiers: ClinVar variation 1690959 (VCV001690959.2), dbSNP rs1480915600, ClinGen allele CA348096342.